The following is an entry in ClinVar:

NM_015488.5(PNKD):c.745C>T (p.Leu249Phe)

Genes: CATIP-AS2 (CATIP antisense RNA 2; minus strand), PNKD (PNKD metallo-beta-lactamase domain containing; plus strand). Cytogenetic location: 2q35.
Variant type: single nucleotide variant.
Coding change: c.745C>T on transcript NM_015488.5 (MANE Select); coding-DNA position 745, C replaced by T.
Protein change: p.Leu249Phe; replaces leucine 249 with phenylalanine.
Molecular consequence: missense variant.
Genome position (GRCh38, 1-based): chr2:218,342,108, C>T. VCF-style: chr2-218342108-C-T. GRCh37 (hg19) VCF-style: chr2-219206831-C-T.
Other names: c.673C>T, p.Leu225Phe (NM_022572.5); short protein forms L225F, L249F.
Identifiers: ClinVar variation 1359607 (VCV001359607.6), dbSNP rs1199556893, ClinGen allele CA350541373.

ClinVar aggregate classification (germline): Uncertain significance (1 of 4 stars; one submission).

Conditions:
Paroxysmal nonkinesigenic dyskinesia. Also called: Paroxysmal non-kinesigenic dyskinesia. Identifiers: Orphanet 98810, MedGen C1869117, MONDO:0700088.

Allele frequency attached by ClinVar (database versions not stated): TOPMed below 0.00001.

Submission:

Labcorp Genetics (formerly Invitae), Labcorp
Classification: Uncertain significance for Paroxysmal nonkinesigenic dyskinesia. Last evaluated: 2021-08-12. Review status: criteria provided, single submitter. Criteria: Invitae Variant Classification Sherloc (09022015). Collection method: clinical testing. Allele origin: germline.
Comment: This sequence change replaces leucine with phenylalanine at codon 249 of the PNKD protein (p.Leu249Phe). The leucine residue is moderately conserved and there is a small physicochemical difference between leucine and phenylalanine. This variant is not present in population databases (ExAC no frequency). In summary, the available evidence is currently insufficient to determine the role of this variant in disease. Therefore, it has been classified as a Variant of Uncertain Significance. Algorithms developed to predict the effect of missense changes on protein structure and function are either unavailable or do not agree on the potential impact of this missense change (SIFT: "Deleterious"; PolyPhen-2: "Probably Damaging"; Align-GVGD: "Class C0"). This variant has not been reported in the literature in individuals affected with PNKD-related conditions.